The following is an entry in ClinVar:

ClinVar aggregate classification (germline): Uncertain significance (1 of 4 stars; one submission).

Conditions:
Acute myeloid leukemia (AML). Also called: Acute myeloid leukemia, adult; AML adult; Acute non-lymphocytic leukemia; Acute granulocytic leukemia; Leukemia, acute myeloid, somatic; Leukemia, acute myelogenous, somatic. Identifiers: Orphanet 519, MedGen C0023467, MeSH D015470, MONDO:0018874, OMIM 601626, HP:0004808. Disease mechanism: Constitutively activated FLT3.

Allele frequency attached by ClinVar (database versions not stated): gnomAD exomes below 0.00001.

Submission:

Labcorp Genetics (formerly Invitae), Labcorp
Classification: Uncertain significance for Acute myeloid leukemia. Last evaluated: 2021-12-27. Review status: criteria provided, single submitter. Criteria: Invitae Variant Classification Sherloc (09022015). Collection method: clinical testing. Allele origin: germline.
Comment: In summary, the available evidence is currently insufficient to determine the role of this variant in disease. Therefore, it has been classified as a Variant of Uncertain Significance. Algorithms developed to predict the effect of missense changes on protein structure and function (SIFT, PolyPhen-2, Align-GVGD) all suggest that this variant is likely to be tolerated. This variant has not been reported in the literature in individuals affected with CEBPA-related conditions. This variant is not present in population databases (gnomAD no frequency). This sequence change replaces glycine, which is neutral and non-polar, with serine, which is neutral and polar, at codon 38 of the CEBPA protein (p.Gly38Ser).

NM_004364.5(CEBPA):c.112G>A (p.Gly38Ser)

Gene: CEBPA (CCAAT enhancer binding protein alpha; minus strand). Cytogenetic location: 19q13.11.
Variant type: single nucleotide variant.
Coding change: c.112G>A on transcript NM_004364.5 (MANE Select); coding-DNA position 112, G replaced by A.
Protein change: p.Gly38Ser; replaces glycine 38 with serine.
Molecular consequence: missense variant. On other transcripts: 5 prime UTR variant (1).
Genome position (GRCh38, 1-based): chr19:33,302,303, C>T on the plus strand (G>A on the coding strand, the complement: CEBPA is on the minus strand). VCF-style: chr19-33302303-C-T. GRCh37 (hg19) VCF-style: chr19-33793209-C-T.
Other names: c.-246G>A (NM_001285829.2); c.217G>A, p.Gly73Ser (NM_001287424.2); c.70G>A, p.Gly24Ser (NM_001287435.2); short protein forms G73S, G38S, G24S.
Identifiers: ClinVar variation 2061691 (VCV002061691.4), dbSNP rs2145264443, ClinGen allele CA405275652.